The following is an entry in ClinVar:

NM_014795.4(ZEB2):c.3499del (p.Ser1167fs)

Gene: ZEB2 (zinc finger E-box binding homeobox 2; minus strand). Cytogenetic location: 2q22.3.
Variant type: Deletion.
Coding change: c.3499del on transcript NM_014795.4 (MANE Select); coding-DNA position 3499, one base deleted (A; older notation c.3499delA).
Protein change: p.Ser1167fs; shifts the reading frame from serine 1167.
Molecular consequence: frameshift variant.
Genome position (GRCh38, 1-based): chr2:144,389,597, T deleted on the plus strand (A on the coding strand, the reverse complement: ZEB2 is on the minus strand); the first of 3 consecutive T bases (chr2:144,389,597-144,389,599); deleting any one gives the same sequence. VCF-style (leftmost placement, unchanged base first): chr2-144389596-CT-C. GRCh37 (hg19) VCF-style: chr2-145147163-CT-C.
Other names: c.3427del, p.Ser1143fs (NM_001171653.2); short protein forms S1143fs, S1167fs.
Identifiers: ClinVar variation 181763 (VCV000181763.1), dbSNP rs730881218, ClinGen allele CA297644.

ClinVar aggregate classification (germline): Pathogenic (1 of 4 stars; one submission).

Conditions:
Mowat-Wilson syndrome (MOWS). Also called: Classic Mowat-Wilson Syndrome. Identifiers: Orphanet 2152, MedGen C1856113, MONDO:0009341, OMIM 235730.

Submission:

GeneDx
Classification: Pathogenic for Mowat-Wilson Syndrome: Autosomal dominant inheritence. Last evaluated: 2014-09-18. Review status: criteria provided, single submitter. Criteria: GeneDx Variant Classification (06012015). Collection method: clinical testing. Allele origin: germline. Affected: yes.
Comment: This mutation is denoted c.3499delA at the cDNA level and at the protein level is p.Ser1167ValfsX74; it is in exon 10 in the ZEB2 gene (NM_014795.3). The normal sequence with the base(s) that are deleted in braces is: AGAA{A}GTGA. This c.3499delA mutation in the ZEB2 gene has not been reported previously as a disease-causing mutation nor as a benign polymorphism, to our knowledge. The c.3499delA mutation causes a frameshift starting with codon Serine 1167, changes this amino acid to a Valine residue and creates a premature Stop codon at position 74 of the new reading frame, denoted p.Ser1167ValfsX74. This mutation is predicted to replace the last 48 amino acids of the protein with 73 incorrect residues. The lost region of the protein is well-conserved in mammals. The c.3499delA mutation was not observed in approximately 6,500 individuals of European and African American ancestry in the NHLBI Exome Sequencing Project, indicating it is not a common benign variant in these populations. We interpret c.3499delA as a disease-causing mutation consistent with a diagnosis of Mowat-Wilson syndrome, an autosomal dominant disorder. This variant has been observed de novo with confirmed parentage. The variant is found in ZEB2 panel(s).